The following is an entry in ClinVar:

NM_032525.3(TUBB6):c.414G>A (p.Ser138=)

Gene: TUBB6 (tubulin beta 6 class V; plus strand). Cytogenetic location: 18p11.21.
Variant type: single nucleotide variant.
Coding change: c.414G>A on transcript NM_032525.3 (MANE Select); coding-DNA position 414, G replaced by A.
Protein change: p.Ser138=; no amino-acid change (serine 138 retained).
Molecular consequence: synonymous variant. On other transcripts: 5 prime UTR variant (2), intron variant (1).
Genome position (GRCh38, 1-based): chr18:12,325,203, G>A. VCF-style: chr18-12325203-G-A. GRCh37 (hg19) VCF-style: chr18-12325202-G-A.
Other names: c.414G>A, p.Ser138= (NM_001303524.1); c.303G>A, p.Ser101= (NM_001303526.2); c.198G>A, p.Ser66= (NM_001303527.2); c.219G>A, p.Ser73= (NM_001303528.2); c.-25G>A (NM_001303529.3, NM_001303530.3); c.278-3943G>A (NM_001303525.2).
Identifiers: ClinVar variation 3053443 (VCV003053443.2), dbSNP rs148645230, ClinGen allele CA8896033.
Genomic context (GRCh38, chr18:12,325,203, plus strand): 5'-CGTGGTGCGGAAGGAGTGCGAGCACTGCGACTGCCTGCAGGGCTTCCAGCTCACGCACTC[G>A]CTGGGCGGCGGCACGGGCTCAGGCATGGGCACGCTGCTCATCAGCAAGATCCGTGAGGAG-3'
Protein context (NP_115914.1, residues 128-148): DCLQGFQLTH[Ser138=]LGGGTGSGMG

ClinVar aggregate classification (germline): Likely benign (0 of 4 stars; one submission).

Conditions:
TUBB6-related disorder. Also called: TUBB6-related condition.

Allele frequency attached by ClinVar (database versions not stated): 1000 Genomes Project 0.00020; 1000 Genomes Project 30x 0.00047; TOPMed 0.00138; ExAC 0.00154; ESP Exome Variant Server 0.00231.
gnomAD v4.1: 2,628 of 1,614,092 alleles (0.16%); highest among the groups gnomAD compares: Non-Finnish European, 0.19%; 7 homozygotes.

Submission:

PreventionGenetics, part of Exact Sciences
Classification: Likely benign for TUBB6-related condition. Last evaluated: 2019-03-14. Review status: no assertion criteria provided. Collection method: clinical testing. Allele origin: germline.
Comment: This variant is classified as likely benign based on ACMG/AMP sequence variant interpretation guidelines (Richards et al. 2015 PMID: 25741868, with internal and published modifications).